The following is an entry in ClinVar:

ClinVar aggregate classification (germline): Pathogenic/Likely pathogenic. Review status: criteria provided, multiple submitters, no conflicts (2 of 4 stars). 2 submissions from 2 submitters: Pathogenic (1); Likely pathogenic (1). Last evaluated 2023-02-21.

Conditions:
Familial cancer of breast. Also called: Hereditary breast cancer; BREAST CANCER, FAMILIAL; hereditary breast carcinoma. Identifiers: Orphanet 227535, MedGen C0346153, MONDO:0016419, OMIM 114480. Disease mechanism: loss of function.

Submissions (2):

Myriad Genetics, Inc.
Classification: Likely pathogenic for Familial cancer of breast. Last evaluated: 2023-02-21. Review status: criteria provided, single submitter. Criteria: Myriad Autosomal Dominant, Autosomal Recessive and X-Linked Classification Criteria (2023). Collection method: clinical testing. Allele origin: unknown.
Comment: This variant is considered likely pathogenic. This variant occurs within a consensus splice junction and is predicted to result in abnormal mRNA splicing of either an out-of-frame exon or an in-frame exon necessary for protein stability and/or normal function.

GeneDx
Classification: Pathogenic. Last evaluated: 2022-11-23. Review status: criteria provided, single submitter. Criteria: GeneDx Variant Classification Process June 2021. Collection method: clinical testing. Allele origin: germline. Affected: yes.
Comment: Canonical splice site variant expected to result in aberrant splicing, although in the absence of functional evidence the actual effect of this sequence change is unknown.; Not observed at significant frequency in large population cohorts (gnomAD); Also known as IVS60; This variant is associated with the following publications: (PMID: 10330348, 23532176, 15279808, 10873394, 31741144)

NM_000051.4(ATM):c.8585-13_8598del

Genes: ATM (ATM serine/threonine kinase; plus strand), C11orf65 (chromosome 11 open reading frame 65; minus strand). Cytogenetic location: 11q22.3.
Variant type: Deletion.
Coding change: c.8585-13_8598del on transcript NM_000051.4 (MANE Select); 13 bases into the intron before coding-DNA position 8585 through coding-DNA position 8598, 27 bases deleted (CTTTTTTCTCCAGTTGGTTACATACTT).
Molecular consequence: splice acceptor variant. On other transcripts: intron variant (2).
Genome position (GRCh38, 1-based): chr11:108,347,266-108,347,292, CTTTTTTCTCCAGTTGGTTACATACTT deleted; deleting any 27 consecutive bases within chr11:108,347,264-108,347,292 gives the same sequence; the c. name uses the placement nearest the transcript's 3' end. VCF-style (leftmost placement, unchanged base first): chr11-108347263-TTTCTTTTTTCTCCAGTTGGTTACATAC-T. GRCh37 (hg19) VCF-style: chr11-108217990-TTTCTTTTTTCTCCAGTTGGTTACATAC-T.
Other names: c.8585-13_8598del (NM_001351834.2); c.641-38219_641-38193del (NM_001330368.2); c.695-11998_695-11972del (NM_001351110.2); c.8585-13_8598delCTTTTTTCTCCAGTTGGTTACATACTT (NM_000051.3); c.8585-13_8598del27 (NM_000051.3).
Identifiers: ClinVar variation 451781 (VCV000451781.6), dbSNP rs1555139443, ClinGen allele CA658656263.